The following is an entry in ClinVar:

ClinVar aggregate classification (germline): Uncertain significance (1 of 4 stars; one submission).

Conditions:
Muscular dystrophy-dystroglycanopathy (congenital with impaired intellectual development), type B, 14. Also called: MUSCULAR DYSTROPHY, CONGENITAL, GMPPB-RELATED; Congenital muscular dystrophy-dystroglycanopathy with mental retardation, type B14; Muscular dystrophy-dystroglycanopathy (congenital with intellectual disability), type B14. Identifiers: MedGen C3809221, MONDO:0014141, OMIM 615351.
Muscular dystrophy-dystroglycanopathy (congenital with brain and eye anomalies), type A14. Also called: WALKER-WARBURG SYNDROME OR MUSCLE-EYE-BRAIN DISEASE, GMPPB-RELATED; Muscular dystrophy-dystroglycanopathy (congenital with brain and eye anomalies), type a, 14; Congenital Muscular Dystrophy-Dystroglycanopathy with Brain and Eye Anomalies Type A 14; Congenital muscular dystrophy-dystroglycanopathy with brain and eye anomalies, type A14. Identifiers: Orphanet 588, MedGen C3809216, MONDO:0014140, OMIM 615350.
Autosomal recessive limb-girdle muscular dystrophy type 2T. Also called: MUSCULAR DYSTROPHY-DYSTROGLYCANOPATHY, LIMB-GIRDLE, GMPPB-RELATED; MUSCULAR DYSTROPHY, LIMB-GIRDLE, TYPE 2T; Muscular dystrophy-dystroglycanopathy (limb-girdle), type c, 14; Limb-girdle muscular dystrophy-dystroglycanopathy, type C14. Identifiers: Orphanet 363623, MedGen C4518000, MONDO:0014142, OMIM 615352.

Submission:

Labcorp Genetics (formerly Invitae), Labcorp
Classification: Uncertain significance for Autosomal recessive limb-girdle muscular dystrophy type 2T; Muscular dystrophy-dystroglycanopathy (congenital with brain and eye anomalies), type A14; Muscular dystrophy-dystroglycanopathy (congenital with impaired intellectual development), type B, 14. Last evaluated: 2025-02-10. Review status: criteria provided, single submitter. Criteria: Invitae Variant Classification Sherloc (09022015). Collection method: clinical testing. Allele origin: germline.
Comment: This sequence change replaces leucine, which is neutral and non-polar, with proline, which is neutral and non-polar, at codon 97 of the GMPPB protein (p.Leu97Pro). This variant is not present in population databases (gnomAD no frequency). This variant has not been reported in the literature in individuals affected with GMPPB-related conditions. Invitae Evidence Modeling of protein sequence and biophysical properties (such as structural, functional, and spatial information, amino acid conservation, physicochemical variation, residue mobility, and thermodynamic stability) indicates that this missense variant is expected to disrupt GMPPB protein function with a positive predictive value of 80%. In summary, the available evidence is currently insufficient to determine the role of this variant in disease. Therefore, it has been classified as a Variant of Uncertain Significance.

NM_021971.4(GMPPB):c.290T>C (p.Leu97Pro)

Gene: GMPPB (GDP-mannose pyrophosphorylase B; minus strand). Cytogenetic location: 3p21.31.
Variant type: single nucleotide variant.
Coding change: c.290T>C on transcript NM_021971.4 (MANE Select); coding-DNA position 290, T replaced by C.
Protein change: p.Leu97Pro; replaces leucine 97 with proline.
Molecular consequence: missense variant.
Genome position (GRCh38, 1-based): chr3:49,723,084, A>G on the plus strand (T>C on the coding strand, the complement: GMPPB is on the minus strand). VCF-style: chr3-49723084-A-G. GRCh37 (hg19) VCF-style: chr3-49760517-A-G.
Other names: c.290T>C, p.Leu97Pro (NM_013334.4); short protein forms L97P.
Identifiers: ClinVar variation 4782331 (VCV004782331.1).
Genomic context (GRCh38, chr3:49,723,084, plus strand): 5'-AAGGGGAAATCGCAGATCACGTCACTGTTGAGGACGAAGAAAGGGTCTGCAGTCTCAGAG[A>G]GTAGGTCACGGGCCAGCGCCAGGGGCCCAGCTGGGGGAAGGGGACAGGTCACCACCTTGC-3'
Protein context (NP_068806.2, residues 87-107): AGPLALARDL[Leu97Pro]SETADPFFVL